The following is an entry in ClinVar:

NM_003060.4(SLC22A5):c.785C>T (p.Ala262Val)

Gene: SLC22A5 (solute carrier family 22 member 5; plus strand). Cytogenetic location: 5q31.1.
Variant type: single nucleotide variant.
Coding change: c.785C>T on transcript NM_003060.4 (MANE Select); coding-DNA position 785, C replaced by T.
Protein change: p.Ala262Val; replaces alanine 262 with valine.
Molecular consequence: missense variant.
Genome position (GRCh38, 1-based): chr5:132,385,460, C>T. VCF-style: chr5-132385460-C-T. GRCh37 (hg19) VCF-style: chr5-131721152-C-T.
Other names: c.857C>T, p.Ala286Val (NM_001308122.2); short protein forms A262V, A286V.
Identifiers: ClinVar variation 1006040 (VCV001006040.10), dbSNP rs752989096, ClinGen allele CA3403967.

ClinVar aggregate classification (germline): Uncertain significance. Review status: criteria provided, single submitter (1 of 4 stars). 2 submissions from 2 submitters: Uncertain significance (1). 1 of the submissions does not count toward it. Last evaluated 2021-08-31.

Conditions:
Decreased circulating carnitine concentration. Also called: Decreased plasma carnitine. Identifiers: MedGen C5848230, HP:0003234.
Renal carnitine transport defect (CDSP). Also called: Primary carnitine deficiency; Systemic primary carnitine deficiency; CARNITINE DEFICIENCY, SYSTEMIC, DUE TO DEFECT IN RENAL REABSORPTION OF CARNITINE; CARNITINE TRANSPORTER, PLASMA-MEMBRANE, DEFICIENCY OF; CARNITINE UPTAKE DEFECT; Systemic primary carnitine deficiency disease. Identifiers: Orphanet 158, MedGen C0342788, MONDO:0008919, OMIM 212140.

Allele frequency attached by ClinVar (database versions not stated): gnomAD exomes below 0.00001 and 0.00001; ExAC 0.00001.
gnomAD v4.1: 7 of 1,614,130 alleles (0.00043%); highest among the groups gnomAD compares: South Asian, 0.0033%; no homozygotes.

Submissions (2):

Labcorp Genetics (formerly Invitae), Labcorp
Classification: Uncertain significance for Renal carnitine transport defect. Last evaluated: 2021-08-31. Review status: criteria provided, single submitter. Criteria: Invitae Variant Classification Sherloc (09022015). Collection method: clinical testing. Allele origin: germline.
Comment: This sequence change replaces alanine with valine at codon 262 of the SLC22A5 protein (p.Ala262Val). The alanine residue is highly conserved and there is a small physicochemical difference between alanine and valine. This variant is present in population databases (rs752989096, ExAC 0.01%). This variant has not been reported in the literature in individuals affected with SLC22A5-related conditions. Algorithms developed to predict the effect of missense changes on protein structure and function (SIFT, PolyPhen-2, Align-GVGD) all suggest that this variant is likely to be tolerated. In summary, the available evidence is currently insufficient to determine the role of this variant in disease. Therefore, it has been classified as a Variant of Uncertain Significance.

Natera, Inc.
Classification: Uncertain significance for Carnitine deficiency. Last evaluated: 2021-04-12. Review status: no assertion criteria provided. Collection method: clinical testing. Allele origin: germline. Not counted in ClinVar's aggregate classification.